The following is an entry in ClinVar:

ClinVar aggregate classification (germline): Uncertain significance (1 of 4 stars; one submission).

Submission:

Labcorp Genetics (formerly Invitae), Labcorp
Classification: Uncertain significance. Last evaluated: 2022-04-22. Review status: criteria provided, single submitter. Criteria: Invitae Variant Classification Sherloc (09022015). Collection method: clinical testing. Allele origin: germline.
Comment: This variant has not been reported in the literature in individuals affected with ERCC6-related conditions. Algorithms developed to predict the effect of sequence changes on RNA splicing suggest that this variant may create or strengthen a splice site. In summary, the available evidence is currently insufficient to determine the role of this variant in disease. Therefore, it has been classified as a Variant of Uncertain Significance. This variant is not present in population databases (gnomAD no frequency). This sequence change affects codon 912 of the ERCC6 mRNA. It is a 'silent' change, meaning that it does not change the encoded amino acid sequence of the ERCC6 protein.

NM_000124.4(ERCC6):c.2734C>T (p.Leu912=)

Genes: ERCC6 (ERCC excision repair 6, chromatin remodeling factor; minus strand), LOC126860933 (BRD4-independent group 4 enhancer GRCh37_chr10:50679962-50681161; plus strand). Cytogenetic location: 10q11.23.
Variant type: single nucleotide variant.
Coding change: c.2734C>T on transcript NM_000124.4 (MANE Select); coding-DNA position 2734, C replaced by T.
Protein change: p.Leu912=; no amino-acid change (leucine 912 retained).
Molecular consequence: synonymous variant.
Genome position (GRCh38, 1-based): chr10:49,473,004, G>A on the plus strand (C>T on the coding strand, the complement: ERCC6 is on the minus strand). VCF-style: chr10-49473004-G-A. GRCh37 (hg19) VCF-style: chr10-50681050-G-A.
Other names: c.2734C>T, p.Leu912= (NM_001346440.2).
Identifiers: ClinVar variation 2123923 (VCV002123923.4), dbSNP rs1397084598, ClinGen allele CA469601539.
Genomic context (GRCh38, chr10:49,473,004, plus strand): 5'-AGATGACAACTCTGTTTGCCCCCGTCAGGTTGACACCTAAGCCGCCCACCCGCGTGGTCA[G>A]AAGAAACACAAATATGGATGTGTCCTAGAGGTAAGACACACAACACTGAGCACACACACT-3'
Protein context (NP_000115.1, residues 902-922): NEDTSIFVFL[Leu912=]TTRVGGLGVN